The following is an entry in ClinVar:

NM_031935.3(HMCN1):c.2318T>G (p.Val773Gly)

Gene: HMCN1 (hemicentin 1; plus strand). Cytogenetic location: 1q31.1.
Variant type: single nucleotide variant.
Coding change: c.2318T>G on transcript NM_031935.3 (MANE Select); coding-DNA position 2318, T replaced by G.
Protein change: p.Val773Gly; replaces valine 773 with glycine.
Molecular consequence: missense variant.
Genome position (GRCh38, 1-based): chr1:185,970,440, T>G. VCF-style: chr1-185970440-T-G. GRCh37 (hg19) VCF-style: chr1-185939572-T-G.
Other names: c.2318T>G (NM_031935.2); short protein forms V773G.
Identifiers: ClinVar variation 2076926 (VCV002076926.5), dbSNP rs750357927, ClinGen allele CA1291357.
Genomic context (GRCh38, chr1:185,970,440, plus strand): 5'-TCTTGGGACTTTTGAAGATTCAAGAAACACAAGATCTGGATGCTGGCGATTATACCTGTG[T>G]AGCCATCAATGAGGCTGGAAGAGCAACTGGCAAGATAACTCTGGATGTTGGCTGTAAGCC-3'
Protein context (NP_114141.2, residues 763-783): QDLDAGDYTC[Val773Gly]AINEAGRATG

ClinVar aggregate classification (germline): Uncertain significance. Review status: criteria provided, multiple submitters, no conflicts (2 of 4 stars). 2 submissions from 2 submitters: Uncertain significance (2). Last evaluated 2024-01-03.

Allele frequency attached by ClinVar (database versions not stated): gnomAD 0.00005; ExAC 0.00001; TOPMed 0.00012.
gnomAD v4.1: 17 of 1,613,796 alleles (0.0011%); highest among the groups gnomAD compares: African/African-American, 0.02%; no homozygotes.

Submissions (2):

Ambry Genetics
Classification: Uncertain significance. Last evaluated: 2024-01-03. Review status: criteria provided, single submitter. Criteria: Ambry Variant Classification Scheme 2023. Collection method: clinical testing. Allele origin: germline.

Labcorp Genetics (formerly Invitae), Labcorp
Classification: Uncertain significance. Last evaluated: 2023-06-08. Review status: criteria provided, single submitter. Criteria: Invitae Variant Classification Sherloc (09022015). Collection method: clinical testing. Allele origin: germline.
Comment: This sequence change replaces valine, which is neutral and non-polar, with glycine, which is neutral and non-polar, at codon 773 of the HMCN1 protein (p.Val773Gly). This variant is present in population databases (rs750357927, gnomAD 0.01%). This variant has not been reported in the literature in individuals affected with HMCN1-related conditions. ClinVar contains an entry for this variant (Variation ID: 2076926). An algorithm developed to predict the effect of missense changes on protein structure and function (PolyPhen-2) suggests that this variant is likely to be disruptive. In summary, the available evidence is currently insufficient to determine the role of this variant in disease. Therefore, it has been classified as a Variant of Uncertain Significance.